The following is an entry in ClinVar:

ClinVar aggregate classification (germline): Uncertain significance (1 of 4 stars; one submission).

Conditions:
Facioscapulohumeral muscular dystrophy 2 (FSHD2). Also called: FACIOSCAPULOHUMERAL MUSCULAR DYSTROPHY 2, DIGENIC; FSHD2, DIGENIC; MUSCULAR DYSTROPHY, FACIOSCAPULOHUMERAL, TYPE 1B. Identifiers: Orphanet 269, MedGen C1834671, MONDO:0008031, OMIM 158901.

Submission:

Labcorp Genetics (formerly Invitae), Labcorp
Classification: Uncertain significance for Facioscapulohumeral muscular dystrophy 2. Last evaluated: 2024-02-17. Review status: criteria provided, single submitter. Criteria: Invitae Variant Classification Sherloc (09022015). Collection method: clinical testing. Allele origin: germline.
Comment: This sequence change replaces glycine, which is neutral and non-polar, with glutamic acid, which is acidic and polar, at codon 419 of the SMCHD1 protein (p.Gly419Glu). This variant is not present in population databases (gnomAD no frequency). This variant has not been reported in the literature in individuals affected with SMCHD1-related conditions. Advanced modeling of protein sequence and biophysical properties (such as structural, functional, and spatial information, amino acid conservation, physicochemical variation, residue mobility, and thermodynamic stability) performed at Invitae indicates that this missense variant is not expected to disrupt SMCHD1 protein function with a negative predictive value of 80%. In summary, the available evidence is currently insufficient to determine the role of this variant in disease. Therefore, it has been classified as a Variant of Uncertain Significance.

NM_015295.3(SMCHD1):c.1256G>A (p.Gly419Glu)

Gene: SMCHD1 (structural maintenance of chromosomes flexible hinge domain containing 1; plus strand). Cytogenetic location: 18p11.32.
Variant type: single nucleotide variant.
Coding change: c.1256G>A on transcript NM_015295.3 (MANE Select); coding-DNA position 1256, G replaced by A.
Protein change: p.Gly419Glu; replaces glycine 419 with glutamic acid.
Molecular consequence: missense variant.
Genome position (GRCh38, 1-based): chr18:2,697,955, G>A. VCF-style: chr18-2697955-G-A. GRCh37 (hg19) VCF-style: chr18-2697953-G-A.
Other names: short protein forms G419E.
Identifiers: ClinVar variation 3621059 (VCV003621059.2).
Genomic context (GRCh38, chr18:2,697,955, plus strand): 5'-TGCAGACGTTGTATGTAAACACAGCAGCTGATAGTTTTGAATTCAAAGCTCATGTTGAAG[G>A]AGATGGTGTAGTGGAAGGGATTATCCGTTATCATCCATTCTTATATGATAGAGAAACTTA-3'
Protein context (NP_056110.2, residues 409-429): DSFEFKAHVE[Gly419Glu]DGVVEGIIRY